The following is an entry in ClinVar:

ClinVar aggregate classification (germline): Uncertain significance (1 of 4 stars; one submission).

Submission:

GeneDx
Classification: Uncertain significance. Last evaluated: 2024-06-23. Review status: criteria provided, single submitter. Criteria: GeneDx Variant Classification Process June 2021. Collection method: clinical testing. Allele origin: germline. Affected: yes.
Comment: Not observed at significant frequency in large population cohorts (gnomAD); In silico analysis supports that this missense variant has a deleterious effect on protein structure/function; Has not been previously published as pathogenic or benign to our knowledge

NM_001037333.3(CYFIP2):c.2672A>G (p.Lys891Arg)

Gene: CYFIP2 (cytoplasmic FMR1 interacting protein 2; plus strand). Cytogenetic location: 5q33.3.
Variant type: single nucleotide variant.
Coding change: c.2672A>G on transcript NM_001037333.3 (MANE Select); coding-DNA position 2672, A replaced by G.
Protein change: p.Lys891Arg; replaces lysine 891 with arginine.
Molecular consequence: missense variant.
Genome position (GRCh38, 1-based): chr5:157,341,156, A>G. VCF-style: chr5-157341156-A-G. GRCh37 (hg19) VCF-style: chr5-156768164-A-G.
Other names: c.2594A>G, p.Lys865Arg (NM_001291721.2); c.2747A>G, p.Lys916Arg (NM_001291722.2); c.2672A>G, p.Lys891Arg (NM_014376.4); short protein forms K865R, K891R, K916R.
Identifiers: ClinVar variation 3391749 (VCV003391749.1).